The following is an entry in ClinVar:

ClinVar aggregate classification (germline): Uncertain significance (1 of 4 stars; one submission).

Submission:

GeneDx
Classification: Uncertain significance. Last evaluated: 2026-01-22. Review status: criteria provided, single submitter. Criteria: GeneDx Variant Classification Process June 2021. Collection method: clinical testing. Allele origin: germline.
Comment: Not observed at significant frequency in large population cohorts (gnomAD); Frameshift variant predicted to result in protein truncation or nonsense mediated decay in a gene or region of a gene for which loss of function is not a well-established mechanism of disease; Has not been previously published as pathogenic or benign to our knowledge

NM_213618.2(DENND2B):c.490_493dup (p.Arg165fs)

Gene: DENND2B (DENN domain containing 2B; minus strand). Cytogenetic location: 11p15.4.
Variant type: Duplication.
Coding change: c.490_493dup on transcript NM_213618.2 (MANE Select); coding-DNA positions 490 to 493, 4 bases duplicated (ATCC; older notation c.490_493dupATCC).
Protein change: p.Arg165fs; shifts the reading frame from arginine 165.
Molecular consequence: frameshift variant. On other transcripts: 5 prime UTR variant (1), non-coding transcript variant (6), intron variant (8).
Genome position (GRCh38, 1-based): chr11:8,730,797-8,730,800, GGAT duplicated on the plus strand (ATCC on the coding strand, the reverse complement: DENND2B is on the minus strand); duplicating any 4 consecutive bases within chr11:8,730,797-8,730,801 gives the same sequence; the c. name uses the placement nearest the transcript's 3' end. VCF-style (leftmost placement, unchanged base first): chr11-8730796-C-CGGAT. GRCh37 (hg19) VCF-style: chr11-8752343-C-CGGAT.
Other names: c.490_493dup, p.Arg165fs (NM_001376495.1, NM_001376496.1, NM_001376497.1 and 2 more transcripts); c.-51_-48dup (NM_001376499.1); c.81-4591_81-4588dup (NM_139157.3, NM_001376504.1, NM_001376503.1 and 2 more transcripts); c.-107-12908_-107-12905dup (NM_001376505.1); c.-244-4591_-244-4588dup (NM_001376506.1); c.-12-180_-12-177dup (NM_001376500.1); short protein forms R165fs.
Identifiers: ClinVar variation 4975260 (VCV004975260.1).